The following is an entry in ClinVar:

ClinVar aggregate classification (germline): Pathogenic (1 of 4 stars; one submission).

Conditions:
Primary ciliary dyskinesia. Also called: Ciliary dyskinesia. Identifiers: Orphanet 244, MedGen C0008780, MONDO:0016575, HP:0012265.

Submission:

Labcorp Genetics (formerly Invitae), Labcorp
Classification: Pathogenic for Primary ciliary dyskinesia. Last evaluated: 2023-09-26. Review status: criteria provided, single submitter. Criteria: Invitae Variant Classification Sherloc (09022015). Collection method: clinical testing. Allele origin: germline.
Comment: This sequence change creates a premature translational stop signal (p.Lys2343*) in the DNAH11 gene. It is expected to result in an absent or disrupted protein product. Loss-of-function variants in DNAH11 are known to be pathogenic (PMID: 18022865, 20513915, 22184204). This variant is not present in population databases (gnomAD no frequency). This variant has not been reported in the literature in individuals affected with DNAH11-related conditions. For these reasons, this variant has been classified as Pathogenic.

Literature cited by the submitters: PubMed 18022865; PubMed 20513915; PubMed 22184204.

NM_001277115.2(DNAH11):c.7027A>T (p.Lys2343Ter)

Gene: DNAH11 (dynein axonemal heavy chain 11; plus strand). Cytogenetic location: 7p15.3.
Variant type: single nucleotide variant.
Coding change: c.7027A>T on transcript NM_001277115.2 (MANE Select); coding-DNA position 7027, A replaced by T.
Protein change: p.Lys2343Ter; replaces lysine 2343 with a stop codon.
Molecular consequence: nonsense.
Genome position (GRCh38, 1-based): chr7:21,717,818, A>T. VCF-style: chr7-21717818-A-T. GRCh37 (hg19) VCF-style: chr7-21757436-A-T.
Other names: c.7048A>T, p.Lys2350Ter (NM_003777.3); short protein forms K2343*, K2350*.
Identifiers: ClinVar variation 2763582 (VCV002763582.3), dbSNP rs2535008828, ClinGen allele CA366943307.